The following is an entry in ClinVar:

ClinVar aggregate classification (germline): Pathogenic (1 of 4 stars; one submission).

Conditions:
Osteogenesis imperfecta type I (OI1). Also called: OI, TYPE I; OSTEOGENESIS IMPERFECTA TARDA; OSTEOGENESIS IMPERFECTA WITH BLUE SCLERAE; Osteogenesis imperfecta type 1; Classic Non-deforming Osteogenesis Imperfecta with Blue Sclerae; Lobstein's Disease. Identifiers: Orphanet 216796, Orphanet 666, MedGen C0023931, MONDO:0008146, OMIM 166200. Disease mechanism: loss of function.

Submission:

Labcorp Genetics (formerly Invitae), Labcorp
Classification: Pathogenic for Osteogenesis imperfecta type I. Last evaluated: 2022-06-12. Review status: criteria provided, single submitter. Criteria: Invitae Variant Classification Sherloc (09022015). Collection method: clinical testing. Allele origin: germline.
Comment: For these reasons, this variant has been classified as Pathogenic. ClinVar contains an entry for this variant (Variation ID: 1074007). This premature translational stop signal has been observed in individual(s) with clinical features of osteogenesis imperfecta (PMID: 23529829). This variant is not present in population databases (gnomAD no frequency). This sequence change creates a premature translational stop signal (p.Gln1129*) in the COL1A1 gene. It is expected to result in an absent or disrupted protein product. Loss-of-function variants in COL1A1 are known to be pathogenic (PMID: 7942841, 9295084, 9443882).

Literature cited by the submitters: PubMed 23529829; PubMed 7942841; PubMed 9295084; PubMed 9443882.

NM_000088.4(COL1A1):c.3385C>T (p.Gln1129Ter)

Gene: COL1A1 (collagen type I alpha 1 chain; minus strand). Cytogenetic location: 17q21.33.
Variant type: single nucleotide variant.
Coding change: c.3385C>T on transcript NM_000088.4 (MANE Select); coding-DNA position 3385, C replaced by T.
Protein change: p.Gln1129Ter; replaces glutamine 1129 with a stop codon.
Molecular consequence: nonsense.
Genome position (GRCh38, 1-based): chr17:50,187,522, G>A on the plus strand (C>T on the coding strand, the complement: COL1A1 is on the minus strand). VCF-style: chr17-50187522-G-A. GRCh37 (hg19) VCF-style: chr17-48264883-G-A.
Other names: short protein forms Q1129*.
Identifiers: ClinVar variation 1074007 (VCV001074007.9), dbSNP rs2144540723, ClinGen allele CA400199332.
Genomic context (GRCh38, chr17:50,187,522, plus strand): 5'-GGAGAGAGAAGGCATGACTTACTCGGGGACCAGCAGGACCAGAGGCTCCAGAGGGACCTT[G>A]TTCACCAGGAGAGCCCTGAAGGACAGATAAAAAAGGCAGTTCAGGCCCAGTGAGCGTCAA-3'